The following is an entry in ClinVar:

NM_031844.3(HNRNPU):c.2164G>A (p.Gly722Arg)

Gene: HNRNPU (heterogeneous nuclear ribonucleoprotein U; minus strand). Cytogenetic location: 1q44.
Variant type: single nucleotide variant.
Coding change: c.2164G>A on transcript NM_031844.3 (MANE Select); coding-DNA position 2164, G replaced by A.
Protein change: p.Gly722Arg; replaces glycine 722 with arginine.
Molecular consequence: missense variant.
Genome position (GRCh38, 1-based): chr1:244,855,907, C>T on the plus strand (G>A on the coding strand, the complement: HNRNPU is on the minus strand). VCF-style: chr1-244855907-C-T. GRCh37 (hg19) VCF-style: chr1-245019209-C-T.
Other names: c.2107G>A, p.Gly703Arg (NM_004501.3); short protein forms G722R, G703R.
Identifiers: ClinVar variation 1360539 (VCV001360539.8), dbSNP rs1475137624, ClinGen allele CA345487457.

ClinVar aggregate classification (germline): Uncertain significance (1 of 4 stars; one submission).

Conditions:
Developmental and epileptic encephalopathy, 54. Also called: HNRNPU-Related Neurodevelopmental Disorder; Epileptic encephalopathy, early infantile, 54. Identifiers: MedGen C4479319, MONDO:0033363, OMIM 617391.

Allele frequency attached by ClinVar (database versions not stated): gnomAD exomes below 0.00001; gnomAD 0.00001; TOPMed 0.00001.
gnomAD v4.1: 7 of 1,613,456 alleles (0.00043%); highest among the groups gnomAD compares: Non-Finnish European, 0.00059%; no homozygotes.

Submission:

Labcorp Genetics (formerly Invitae), Labcorp
Classification: Uncertain significance for Developmental and epileptic encephalopathy, 54. Last evaluated: 2023-09-27. Review status: criteria provided, single submitter. Criteria: Invitae Variant Classification Sherloc (09022015). Collection method: clinical testing. Allele origin: germline.
Comment: In summary, the available evidence is currently insufficient to determine the role of this variant in disease. Therefore, it has been classified as a Variant of Uncertain Significance. Experimental studies and prediction algorithms are not available or were not evaluated, and the functional significance of this variant is currently unknown. ClinVar contains an entry for this variant (Variation ID: 1360539). This variant has not been reported in the literature in individuals affected with HNRNPU-related conditions. This variant is present in population databases (no rsID available, gnomAD 0.0009%). This sequence change replaces glycine, which is neutral and non-polar, with arginine, which is basic and polar, at codon 722 of the HNRNPU protein (p.Gly722Arg).